The following is an entry in ClinVar:

NM_006267.5(RANBP2):c.2123A>G (p.Lys708Arg)

Gene: RANBP2 (RAN binding protein 2; plus strand). Cytogenetic location: 2q13.
Variant type: single nucleotide variant.
Coding change: c.2123A>G on transcript NM_006267.5 (MANE Select); coding-DNA position 2123, A replaced by G.
Protein change: p.Lys708Arg; replaces lysine 708 with arginine.
Molecular consequence: missense variant.
Genome position (GRCh38, 1-based): chr2:108,753,892, A>G. VCF-style: chr2-108753892-A-G. GRCh37 (hg19) VCF-style: chr2-109370348-A-G.
Other names: c.2123A>G, p.Lys708Arg (NM_001415871.1, NM_001415873.1); c.2120A>G, p.Lys707Arg (NM_001415872.1); short protein forms K707R, K708R.
Identifiers: ClinVar variation 4887841 (VCV004887841.1).

ClinVar aggregate classification (germline): Uncertain significance (1 of 4 stars; one submission).

gnomAD v4.1: 2 of 1,612,062 alleles (0.00012%); highest among the groups gnomAD compares: Admixed American, 0.0017%; no homozygotes.

Submission:

GeneDx
Classification: Uncertain significance. Last evaluated: 2026-02-16. Review status: criteria provided, single submitter. Criteria: GeneDx Variant Classification Process June 2021. Collection method: clinical testing. Allele origin: germline.
Comment: Not observed at significant frequency in large population cohorts (gnomAD); In silico analysis suggests that this missense variant does not alter protein structure/function; Has not been previously published as pathogenic or benign to our knowledge